The following is an entry in ClinVar:

NM_001197104.2(KMT2A):c.3917C>T (p.Pro1306Leu)

Gene: KMT2A (lysine methyltransferase 2A; plus strand). Cytogenetic location: 11q23.3.
Variant type: single nucleotide variant.
Coding change: c.3917C>T on transcript NM_001197104.2 (MANE Select); coding-DNA position 3917, C replaced by T.
Protein change: p.Pro1306Leu; replaces proline 1306 with leucine.
Molecular consequence: missense variant.
Genome position (GRCh38, 1-based): chr11:118,481,997, C>T. VCF-style: chr11-118481997-C-T. GRCh37 (hg19) VCF-style: chr11-118352712-C-T.
Other names: c.3917C>T, p.Pro1306Leu (NM_005933.4); short protein forms P1306L.
Identifiers: ClinVar variation 1408037 (VCV001408037.7), dbSNP rs1555039426, ClinGen allele CA382828326.

ClinVar aggregate classification (germline): Uncertain significance (1 of 4 stars; one submission).

Allele frequency attached by ClinVar (database versions not stated): gnomAD exomes below 0.00001 and 0.00001; gnomAD 0.00001.
gnomAD v4.1: 5 of 1,614,048 alleles (0.00031%); highest among the groups gnomAD compares: African/African-American, 0.0027%; no homozygotes.

Submission:

Labcorp Genetics (formerly Invitae), Labcorp
Classification: Uncertain significance. Last evaluated: 2022-01-13. Review status: criteria provided, single submitter. Criteria: Invitae Variant Classification Sherloc (09022015). Collection method: clinical testing. Allele origin: germline.
Comment: In summary, the available evidence is currently insufficient to determine the role of this variant in disease. Therefore, it has been classified as a Variant of Uncertain Significance. Algorithms developed to predict the effect of missense changes on protein structure and function (SIFT, PolyPhen-2, Align-GVGD) all suggest that this variant is likely to be tolerated. This variant is present in population databases (no rsID available, gnomAD 0.007%). This sequence change replaces proline, which is neutral and non-polar, with leucine, which is neutral and non-polar, at codon 1306 of the KMT2A protein (p.Pro1306Leu). This variant has not been reported in the literature in individuals affected with KMT2A-related conditions.